The following is an entry in ClinVar:

ClinVar aggregate classification (germline): Uncertain significance. Review status: criteria provided, multiple submitters, no conflicts (2 of 4 stars). 6 submissions from 6 submitters: Uncertain significance (6). Last evaluated 2026-02-19.

Conditions:
Catecholaminergic polymorphic ventricular tachycardia (CVPT). Also called: Catecholamine-induced polymorphic ventricular tachycardia. Identifiers: Orphanet 3286, MedGen C5574922, MONDO:0017990.
Cardiovascular phenotype. Identifiers: MedGen CN230736.
Catecholaminergic polymorphic ventricular tachycardia 1. Also called: RYR2-Related Catecholaminergic Polymorphic Ventricular Tachycardia; VENTRICULAR TACHYCARDIA, STRESS-INDUCED POLYMORPHIC 1; VENTRICULAR TACHYCARDIA, CATECHOLAMINERGIC POLYMORPHIC, 1, WITH OR WITHOUT ATRIAL DYSFUNCTION AND/OR DILATED CARDIOMYOPATHY. Identifiers: Orphanet 3286, MedGen C1631597, MONDO:0011484, OMIM 604772.

Allele frequency attached by ClinVar (database versions not stated): gnomAD exomes 0.00001; TOPMed 0.00002.
gnomAD v4.1: 4 of 1,613,898 alleles (0.00025%); highest among the groups gnomAD compares: Non-Finnish European, 0.00034%; no homozygotes.

Submissions (6):

GeneDx
Classification: Uncertain significance. Last evaluated: 2026-02-19. Review status: criteria provided, single submitter. Criteria: GeneDx Variant Classification Process June 2021. Collection method: clinical testing. Allele origin: germline.
Comment: Not observed at significant frequency in large population cohorts (gnomAD); In silico analysis supports that this missense variant has a deleterious effect on protein structure/function; Has not been previously published as pathogenic or benign to our knowledge; Not located in one of the three hot-spot regions of the RYR2 gene, where the majority of pathogenic missense variants occur (PMID: 19926015); This variant is associated with the following publications: (PMID: 19926015)

Women's Health and Genetics/Laboratory Corporation of America, LabCorp
Classification: Uncertain significance. Last evaluated: 2025-12-09. Review status: criteria provided, single submitter. Criteria: LabCorp Variant Classification Summary - May 2015. Collection method: clinical testing. Allele origin: germline.
Comment: Variant summary: RYR2 c.3023C>T (p.Ala1008Val) results in a non-conservative amino acid change in the encoded protein sequence. Algorithms developed to predict the effect of missense changes on protein structure and function all suggest that this variant is likely to be disruptive. The variant was absent in 249198 control chromosomes. The available data on variant occurrences in the general population are insufficient to allow any conclusion about variant significance. To our knowledge, no occurrence of c.3023C>T in individuals affected with RYR2-related conditions and no experimental evidence demonstrating its impact on protein function have been reported. ClinVar contains an entry for this variant (Variation ID: 931489). Based on the evidence outlined above, the variant was classified as uncertain significance.

All of Us Research Program, National Institutes of Health
Classification: Uncertain significance for Catecholaminergic polymorphic ventricular tachycardia. Last evaluated: 2024-03-24. Review status: criteria provided, single submitter. Criteria: ACMG Guidelines, 2015. Collection method: clinical testing. Allele origin: germline. Inheritance: Autosomal dominant inheritance. Observed: 1 variant allele, 1 heterozygote.
Comment: This missense variant replaces alanine with valine at codon 1008 of the RYR2 protein. Computational prediction suggests that this variant may have deleterious impact on protein structure and function (internally defined REVEL score threshold >= 0.7, PMID: 27666373). To our knowledge, functional studies have not been reported for this variant. This variant has not been reported in individuals affected with RYR2-related disorders in the literature. This variant has been identified in 1/31398 chromosomes in the general population by the Genome Aggregation Database (gnomAD). The available evidence is insufficient to determine the role of this variant in disease conclusively. Therefore, this variant is classified as a Variant of Uncertain Significance.

This study involves interpretation of variants in research participants for the purpose of population health screening. Participant phenotype was not available at the time of variant classification. Additional details can be found in publication PMID: 35346344, PMCID: PMC8962531

Ambry Genetics
Classification: Uncertain significance for Cardiovascular phenotype. Last evaluated: 2024-03-05. Review status: criteria provided, single submitter. Criteria: Ambry Variant Classification Scheme 2023. Collection method: clinical testing. Allele origin: germline.
Comment: The p.A1008V variant (also known as c.3023C>T), located in coding exon 26 of the RYR2 gene, results from a C to T substitution at nucleotide position 3023. The alanine at codon 1008 is replaced by valine, an amino acid with similar properties. This amino acid position is highly conserved in available vertebrate species. In addition, this alteration is predicted to be deleterious by in silico analysis. Based on the available evidence, the clinical significance of this alteration remains unclear.

Labcorp Genetics (formerly Invitae), Labcorp
Classification: Uncertain significance for Catecholaminergic polymorphic ventricular tachycardia 1. Last evaluated: 2021-08-27. Review status: criteria provided, single submitter. Criteria: Invitae Variant Classification Sherloc (09022015). Collection method: clinical testing. Allele origin: germline.
Comment: This sequence change replaces alanine with valine at codon 1008 of the RYR2 protein (p.Ala1008Val). The alanine residue is highly conserved and there is a small physicochemical difference between alanine and valine. This variant is not present in population databases (ExAC no frequency). This variant has not been reported in the literature in individuals affected with RYR2-related conditions. ClinVar contains an entry for this variant (Variation ID: 931489). Advanced modeling of protein sequence and biophysical properties (such as structural, functional, and spatial information, amino acid conservation, physicochemical variation, residue mobility, and thermodynamic stability) performed at Invitae indicates that this missense variant is expected to disrupt RYR2 protein function. Algorithms developed to predict the effect of sequence changes on RNA splicing suggest that this variant may create or strengthen a splice site. In summary, the available evidence is currently insufficient to determine the role of this variant in disease. Therefore, it has been classified as a Variant of Uncertain Significance.

Centre for Mendelian Genomics, University Medical Centre Ljubljana
Classification: Uncertain significance for Catecholaminergic polymorphic ventricular tachycardia 1. Last evaluated: 2016-01-01. Review status: criteria provided, single submitter. Criteria: ACMG Guidelines, 2015. Collection method: clinical testing. Allele origin: unknown. Affected: yes.
Comment: This variant was classified as: Uncertain significance. The following ACMG criteria were applied in classifying this variant: PM2,PP3,PP4.

NM_001035.3(RYR2):c.3023C>T (p.Ala1008Val)

Gene: RYR2 (ryanodine receptor 2; plus strand). Cytogenetic location: 1q43.
Variant type: single nucleotide variant.
Coding change: c.3023C>T on transcript NM_001035.3 (MANE Select); coding-DNA position 3023, C replaced by T.
Protein change: p.Ala1008Val; replaces alanine 1008 with valine.
Molecular consequence: missense variant.
Genome position (GRCh38, 1-based): chr1:237,548,547, C>T. VCF-style: chr1-237548547-C-T. GRCh37 (hg19) VCF-style: chr1-237711847-C-T.
Other names: short protein forms A1008V.
Identifiers: ClinVar variation 931489 (VCV000931489.51), dbSNP rs1232224119, ClinGen allele CA345393671.